The following is an entry in ClinVar:

ClinVar aggregate classification (germline): Uncertain significance (1 of 4 stars; one submission).

Conditions:
Cardiovascular phenotype. Identifiers: MedGen CN230736.

Submission:

Ambry Genetics
Classification: Uncertain significance for Cardiovascular phenotype. Last evaluated: 2026-03-29. Review status: criteria provided, single submitter. Criteria: Ambry Variant Classification Scheme 2023. Collection method: clinical testing. Allele origin: germline.
Comment: The p.Q347H variant (also known as c.1041A>C), located in coding exon 9 of the PTPN11 gene, results from an A to C substitution at nucleotide position 1041. The glutamine at codon 347 is replaced by histidine, an amino acid with highly similar properties. This amino acid position is conserved. In addition, this alteration is predicted to be deleterious by in silico analysis. Based on the available evidence, the clinical significance of this variant remains unclear.

NM_002834.5(PTPN11):c.1041A>C (p.Gln347His)

Gene: PTPN11 (protein tyrosine phosphatase non-receptor type 11; plus strand). Cytogenetic location: 12q24.13.
Variant type: single nucleotide variant.
Coding change: c.1041A>C on transcript NM_002834.5 (MANE Select); coding-DNA position 1041, A replaced by C.
Protein change: p.Gln347His; replaces glutamine 347 with histidine.
Molecular consequence: missense variant.
Genome position (GRCh38, 1-based): chr12:112,477,964, A>C. VCF-style: chr12-112477964-A-C. GRCh37 (hg19) VCF-style: chr12-112915768-A-C.
Other names: c.1041A>C, p.Gln347His (NM_001330437.2, NM_080601.3); c.1038A>C, p.Gln346His (NM_001374625.1); short protein forms Q346H, Q347H.
Identifiers: ClinVar variation 4862757 (VCV004862757.1).